The following is an entry in ClinVar:

NM_030957.4(ADAMTS10):c.1114C>T (p.Arg372Cys)

Gene: ADAMTS10 (ADAM metallopeptidase with thrombospondin type 1 motif 10; minus strand). Cytogenetic location: 19p13.2.
Variant type: single nucleotide variant.
Coding change: c.1114C>T on transcript NM_030957.4 (MANE Select); coding-DNA position 1114, C replaced by T.
Protein change: p.Arg372Cys; replaces arginine 372 with cysteine.
Molecular consequence: missense variant.
Genome position (GRCh38, 1-based): chr19:8,596,383, G>A on the plus strand (C>T on the coding strand, the complement: ADAMTS10 is on the minus strand). VCF-style: chr19-8596383-G-A. GRCh37 (hg19) VCF-style: chr19-8661267-G-A.
Other names: short protein forms R372C.
Identifiers: ClinVar variation 1697113 (VCV001697113.2), dbSNP rs1412146494, ClinGen allele CA403755690.

ClinVar aggregate classification (germline): Uncertain significance (1 of 4 stars; one submission).

Allele frequency attached by ClinVar (database versions not stated): gnomAD exomes below 0.00001; TOPMed below 0.00001; gnomAD 0.00002.
gnomAD v4.1: 6 of 1,612,974 alleles (0.00037%); highest among the groups gnomAD compares: East Asian, 0.0045%; no homozygotes.

Submission:

GeneDx
Classification: Uncertain significance. Last evaluated: 2022-01-17. Review status: criteria provided, single submitter. Criteria: GeneDx Variant Classification Process June 2021. Collection method: clinical testing. Allele origin: germline. Affected: yes.
Comment: Not observed at significant frequency in large population cohorts (gnomAD); In silico analysis supports that this missense variant has a deleterious effect on protein structure/function; Has not been previously published as pathogenic or benign to our knowledge